The following is an entry in ClinVar:

NM_000334.4(SCN4A):c.307T>G (p.Phe103Val)

Gene: SCN4A (sodium voltage-gated channel alpha subunit 4; minus strand). Cytogenetic location: 17q23.3.
Variant type: single nucleotide variant.
Coding change: c.307T>G on transcript NM_000334.4 (MANE Select); coding-DNA position 307, T replaced by G.
Protein change: p.Phe103Val; replaces phenylalanine 103 with valine.
Molecular consequence: missense variant.
Genome position (GRCh38, 1-based): chr17:63,972,437, A>C on the plus strand (T>G on the coding strand, the complement: SCN4A is on the minus strand). VCF-style: chr17-63972437-A-C. GRCh37 (hg19) VCF-style: chr17-62049797-A-C.
Other names: short protein forms F103V.
Identifiers: ClinVar variation 448271 (VCV000448271.12), dbSNP rs554349260, ClinGen allele CA8710206.
Genomic context (GRCh38, chr17:63,972,437, plus strand): 5'-CGCGCCTGACTACGCTGAAGGGGCTCAGCAGGTAGAGAGCAGGTGTGGCGGAGAAGCGGA[A>C]GATGGCCTTGCCCTTGTTGAGTACGATGAAGGTCTAAGGTGGGAGAGAGGCTGTGAGACC-3'
Protein context (NP_000325.4, residues 93-113): FIVLNKGKAI[Phe103Val]RFSATPALYL

ClinVar aggregate classification (germline): Uncertain significance. Review status: criteria provided, multiple submitters, no conflicts (2 of 4 stars). 3 submissions from 3 submitters: Uncertain significance (3). Last evaluated 2024-05-02.

Conditions:
Hypokalemic periodic paralysis, type 2 (HOKPP2). Identifiers: Orphanet 681, MedGen C2750061, MONDO:0013234, OMIM 613345.
Hyperkalemic periodic paralysis. Also called: Familial hyperkalemic periodic paralysis; Gamstorp disease. Identifiers: Orphanet 682, MedGen C0238357, MONDO:0008224, OMIM 170500, HP:0007215.
Potassium-aggravated myotonia. Also called: MYOTONIA CONGENITA, ACETAZOLAMIDE-RESPONSIVE; MYOTONIA CONGENITA, ATYPICAL; SODIUM CHANNEL MUSCLE DISEASE; Myotonia congenita, atypical, acetazolamide-responsive. Identifiers: Orphanet 612, Orphanet 99734, Orphanet 99735, Orphanet 99736, MedGen C2931826, MONDO:0018959, OMIM 608390.
Congenital myasthenic syndrome 16. Identifiers: Orphanet 590, MedGen C3280112, MONDO:0013620, OMIM 614198.
Paramyotonia congenita of Von Eulenburg. Also called: Paramyotonia Congenita; Eulenburg disease; Myotonia congenita intermittens; Von Eulenburg paramyotonia congenita; PARALYSIS PERIODICA PARAMYOTONICA. Identifiers: Orphanet 684, MedGen C0221055, MONDO:0008195, OMIM 168300. Disease mechanism: loss of function.
Congenital myopathy 22A, classic (CMYO22A). Identifiers: MedGen C5830453, MONDO:0957247, OMIM 620351.
Congenital myopathy 22B, severe fetal (CMYO22B). Identifiers: MedGen C5830501, MONDO:0957265, OMIM 620369.

Allele frequency attached by ClinVar (database versions not stated): TOPMed below 0.00001; ExAC 0.00003; gnomAD 0.00001 and 0.00005; gnomAD exomes 0.00002 and 0.00001.
gnomAD v4.1: 27 of 1,613,958 alleles (0.0017%); highest among the groups gnomAD compares: East Asian, 0.016%; no homozygotes.

Submissions (3):

Fulgent Genetics
Classification: Uncertain significance for Paramyotonia congenita of Von Eulenburg; Hyperkalemic periodic paralysis; Potassium-aggravated myotonia; Hypokalemic periodic paralysis, type 2; Congenital myasthenic syndrome 16; Congenital myopathy 22A, classic; Congenital myopathy 22B, severe fetal. Last evaluated: 2024-05-02. Review status: criteria provided, single submitter. Criteria: ACMG Guidelines, 2015. Collection method: clinical testing. Allele origin: germline.

Labcorp Genetics (formerly Invitae), Labcorp
Classification: Uncertain significance for Hyperkalemic periodic paralysis. Last evaluated: 2024-03-27. Review status: criteria provided, single submitter. Criteria: Invitae Variant Classification Sherloc (09022015). Collection method: clinical testing. Allele origin: germline.
Comment: This sequence change replaces phenylalanine, which is neutral and non-polar, with valine, which is neutral and non-polar, at codon 103 of the SCN4A protein (p.Phe103Val). This variant is present in population databases (rs554349260, gnomAD 0.01%). This variant has not been reported in the literature in individuals affected with SCN4A-related conditions. ClinVar contains an entry for this variant (Variation ID: 448271). Advanced modeling of protein sequence and biophysical properties (such as structural, functional, and spatial information, amino acid conservation, physicochemical variation, residue mobility, and thermodynamic stability) has been performed at Invitae for this missense variant, however the output from this modeling did not meet the statistical confidence thresholds required to predict the impact of this variant on SCN4A protein function. In summary, the available evidence is currently insufficient to determine the role of this variant in disease. Therefore, it has been classified as a Variant of Uncertain Significance.

Athena Diagnostics
Classification: Uncertain significance. Last evaluated: 2017-03-16. Review status: criteria provided, single submitter. Criteria: Athena Diagnostics Criteria. Collection method: clinical testing. Allele origin: germline.